The following is an entry in ClinVar:

NM_016507.4(CDK12):c.4004A>C (p.Asn1335Thr)

Gene: CDK12 (cyclin dependent kinase 12; plus strand). Cytogenetic location: 17q12.
Variant type: single nucleotide variant.
Coding change: c.4004A>C on transcript NM_016507.4 (MANE Select); coding-DNA position 4004, A replaced by C.
Protein change: p.Asn1335Thr; replaces asparagine 1335 with threonine.
Molecular consequence: missense variant.
Genome position (GRCh38, 1-based): chr17:39,530,847, A>C. VCF-style: chr17-39530847-A-C. GRCh37 (hg19) VCF-style: chr17-37687100-A-C.
Other names: c.3977A>C, p.Asn1326Thr (NM_015083.4); short protein forms N1326T, N1335T.
Identifiers: ClinVar variation 4224422 (VCV004224422.1).

ClinVar aggregate classification (germline): Uncertain significance (1 of 4 stars; one submission).

Submission:

Ambry Genetics
Classification: Uncertain significance. Last evaluated: 2025-08-30. Review status: criteria provided, single submitter. Criteria: Ambry Variant Classification Scheme 2023. Collection method: clinical testing. Allele origin: germline.
Comment: The p.N1335T variant (also known as c.4004A>C), located in coding exon 14 of the CDK12 gene, results from an A to C substitution at nucleotide position 4004. The asparagine at codon 1335 is replaced by threonine, an amino acid with similar properties. This amino acid position is conserved. In addition, this alteration is predicted to be tolerated by in silico analysis. Based on the available evidence, the clinical significance of this variant remains unclear.